The following is an entry in ClinVar:

NM_032409.3(PINK1):c.76G>C (p.Gly26Arg)

Gene: PINK1 (PTEN induced kinase 1; plus strand). Cytogenetic location: 1p36.12.
Variant type: single nucleotide variant.
Coding change: c.76G>C on transcript NM_032409.3 (MANE Select); coding-DNA position 76, G replaced by C.
Protein change: p.Gly26Arg; replaces glycine 26 with arginine.
Molecular consequence: missense variant.
Genome position (GRCh38, 1-based): chr1:20,633,624, G>C. VCF-style: chr1-20633624-G-C. GRCh37 (hg19) VCF-style: chr1-20960117-G-C.
Other names: short protein forms G26R.
Identifiers: ClinVar variation 1016581 (VCV001016581.9), dbSNP rs2053015141, ClinGen allele CA338853465.
Genomic context (GRCh38, chr1:20,633,624, plus strand): 5'-GCGCTGGGCCGCGGCCTGCAGCTGGGTCGAGCGCTGCTGCTGCGCTTCACGGGCAAGCCC[G>C]GCCGGGCCTACGGCTTGGGGCGGCCGGGCCCGGCGGCGGGCTGTGTCCGCGGGGAGCGTC-3'
Protein context (NP_115785.1, residues 16-36): ALLLRFTGKP[Gly26Arg]RAYGLGRPGP

ClinVar aggregate classification (germline): Uncertain significance (1 of 4 stars; one submission).

Conditions:
Autosomal recessive early-onset Parkinson disease 6 (PARK6). Also called: PINK1 Type of Young-Onset Parkinson Disease; PARKINSON DISEASE 6, EARLY-ONSET; PINK1-Related Parkinson Disease; PARKINSON DISEASE 6, MODIFIER OF. Identifiers: Orphanet 2828, MedGen C1853833, MONDO:0011613, OMIM 605909.

Allele frequency attached by ClinVar (database versions not stated): gnomAD 0.00001.
gnomAD v4.1: 1 of 1,294,822 alleles (0.000077%); highest among the groups gnomAD compares: Non-Finnish European, 0.000097%; no homozygotes.

Submission:

Labcorp Genetics (formerly Invitae), Labcorp
Classification: Uncertain significance for Autosomal recessive early-onset Parkinson disease 6. Last evaluated: 2020-09-09. Review status: criteria provided, single submitter. Criteria: Invitae Variant Classification Sherloc (09022015). Collection method: clinical testing. Allele origin: germline.
Comment: Algorithms developed to predict the effect of missense changes on protein structure and function are either unavailable or do not agree on the potential impact of this missense change (SIFT: "Tolerated"; PolyPhen-2: "Probably Damaging"; Align-GVGD: "Class C0"). The frequency data for this variant in the population databases is considered unreliable, as metrics indicate insufficient coverage at this position in the ExAC database. This variant has not been reported in the literature in individuals with PINK1-related conditions. In summary, the available evidence is currently insufficient to determine the role of this variant in disease. Therefore, it has been classified as a Variant of Uncertain Significance. This sequence change replaces glycine with arginine at codon 26 of the PINK1 protein (p.Gly26Arg). The glycine residue is moderately conserved and there is a moderate physicochemical difference between glycine and arginine.